The following is an entry in ClinVar:

NM_000219.6(KCNE1):c.185T>G (p.Met62Arg)

Gene: KCNE1 (potassium voltage-gated channel subfamily E regulatory subunit 1; minus strand). Cytogenetic location: 21q22.12.
Variant type: single nucleotide variant.
Coding change: c.185T>G on transcript NM_000219.6 (MANE Select); coding-DNA position 185, T replaced by G.
Protein change: p.Met62Arg; replaces methionine 62 with arginine.
Molecular consequence: missense variant.
Genome position (GRCh38, 1-based): chr21:34,449,450, A>C on the plus strand (T>G on the coding strand, the complement: KCNE1 is on the minus strand). VCF-style: chr21-34449450-A-C. GRCh37 (hg19) VCF-style: chr21-35821748-A-C.
Other names: c.185T>G, p.Met62Arg (NM_001127668.4, NM_001127669.4, NM_001127670.4 and 4 more transcripts); short protein forms M62R.
Identifiers: ClinVar variation 3374273 (VCV003374273.2).

Conditions:
Long QT syndrome 5 (LQT5). Identifiers: Orphanet 101016, Orphanet 768, MedGen C1867904, MONDO:0013372, OMIM 613695.

Submission:

Roden Lab, Vanderbilt University Medical Center
No classification provided (evidence only). Condition: Long QT syndrome 5. Review status: no classification provided. Collection method: in vitro. Allele origin: not applicable. Functional consequence: Effect on ion channel function.
ClinVar note: "not provided" was previously submitted as the classification for the variant. However, the classification appeared to be based only on an observation of functional data so it was converted to no classification on 2025-07-30.